The following is an entry in ClinVar:

ClinVar aggregate classification (germline): Conflicting classifications of pathogenicity. Review status: criteria provided, conflicting classifications (1 of 4 stars). 21 submissions from 21 submitters: Uncertain significance (14); Likely benign (3). 4 of the submissions do not count toward it. Last evaluated 2026-02-01.

Conditions:
Cardiovascular phenotype. Identifiers: MedGen CN230736.
Long QT syndrome (LQTS). Identifiers: MedGen C0023976, MeSH D008133, MONDO:0002442. Disease mechanism: loss of function. Inheritance: Various modes of inheritance.
Arrhythmogenic right ventricular cardiomyopathy (ARVD). Also called: Arrhythmogenic cardiomyopathy; Arrhythmogenic Right Ventricular Cardiomyopathy (ARVC); Cardiomyopathy, ARVC; Arrhythmogenic right ventricular dysplasia. Identifiers: Orphanet 247, MedGen C0349788, MeSH D019571, MONDO:0016587. Disease mechanism: loss of function. Inheritance: Various modes of inheritance.
Cardiomyopathy (CMYO). Also called: Cardiomyopathies. Identifiers: Orphanet 167848, MedGen C0878544, MONDO:0004994, HP:0001638. Inheritance: Various modes of inheritance.
Arrhythmogenic right ventricular dysplasia 9 (ARVD9). Also called: Arrhythmogenic Right Ventricular Dysplasia/Cardiomyopathy 9; ARRHYTHMOGENIC RIGHT VENTRICULAR DYSPLASIA, FAMILIAL, 9. Identifiers: MedGen C1836906, MONDO:0012180, OMIM 609040.

Allele frequency attached by ClinVar (database versions not stated): gnomAD exomes 0.00014 and 0.00028; ExAC 0.00017; gnomAD 0.00020 and 0.00041; ESP Exome Variant Server 0.00024; TOPMed 0.00046.
gnomAD v4.1: 454 of 1,584,186 alleles (0.029%); highest among the groups gnomAD compares: Middle Eastern, 0.062%; no homozygotes.

Submissions 1 to 8 of 21:

Labcorp Genetics (formerly Invitae), Labcorp
Classification: Likely benign for Arrhythmogenic right ventricular dysplasia 9. Last evaluated: 2026-02-01. Review status: criteria provided, single submitter. Criteria: Invitae Variant Classification Sherloc (09022015). Collection method: clinical testing. Allele origin: germline.

Molecular Diagnostic Laboratory for Inherited Cardiovascular Disease, Montreal Heart Institute
Classification: Uncertain significance for Cardiovascular phenotype. Last evaluated: 2025-04-09. Review status: criteria provided, single submitter. Criteria: ACMG Guidelines, 2015. Collection method: clinical testing. Allele origin: germline. Affected: yes.
Comment: PS3_supp, BS1

Ambry Genetics
Classification: Uncertain significance for Cardiovascular phenotype. Last evaluated: 2025-03-21. Review status: criteria provided, single submitter. Criteria: Ambry Variant Classification Scheme 2023. Collection method: clinical testing. Allele origin: germline.
Comment: The p.Q62K variant (also known as c.184C>A), located in coding exon 1 of the PKP2 gene, results from a C to A substitution at nucleotide position 184. The glutamine at codon 62 is replaced by lysine, an amino acid with similar properties. This alteration has been reported in a variety of clinical phenotypes including arrhythmogenic right ventricular cardiomyopathy (ARVC), dilated cardiomypathy (DCM), Brugada syndrome, sudden unexplained death, and hypertrophic cardiomyopathy (HCM), and is often seen with additional alterations in PKP2 and other cardiac-related genes (van Tintelen JP et al. Circulation, 2006 Apr;113:1650-8; Bauce B et al. Heart Rhythm, 2010 Jan;7:22-9; Garcia-Pavia P et al. Heart, 2011 Nov;97:1744-52; Cerrone M et al. Circulation, 2014 Mar;129:1092-103; Christiansen SL et al. Eur. J. Hum. Genet., 2016 12;24:1797-1802; Sanchez O et al. PLoS ONE, 2017 Feb;12:e0171893). This alteration has also been detected in unaffected family members and absent in affected relatives with ARVC (Lahtinen AM et al. Int. J. Cardiol., 2008 May;126:92-100; Bauce B et al. Heart Rhythm, 2010 Jan;7:22-9; Christensen AH et al. Cardiology, 2010 Dec;115:148-54). In addition, this variant has been seen in exome cohorts, but cardiovascular history was not provided (Andreasen C et al. Eur. J. Hum. Genet., 2013 Sep;21:918-28; Amendola LM et al. Genome Res., 2015 Mar;25:305-15; Dewey FE et al. JAMA, 2014 Mar;311:1035-45). In functional studies, observed results have included decreased connexin43 expression, defects in desmosome assembly, and reduced sodium current (Fidler LM et al. J. Cell. Mol. Med., 2009 Oct;13:4219-28; Hall C et al. Cell Commun. Adhes., 2009;16:15-27; Cerrone M et al. Circulation, 2014 Mar;129:1092-103). This amino acid position is highly conserved in available vertebrate species. In addition, the in silico prediction for this alteration is inconclusive. Since supporting evidence is conflicting at this time, the clinical significance of this alteration remains unclear.

Blueprint Genetics
Classification: Likely benign. Last evaluated: 2024-11-27. Review status: criteria provided, single submitter. Criteria: ACMG Guidelines, 2015. Collection method: clinical testing. Allele origin: germline.

GeneDx
Classification: Uncertain significance. Last evaluated: 2024-09-23. Review status: criteria provided, single submitter. Criteria: GeneDx Variant Classification Process June 2021. Collection method: clinical testing. Allele origin: germline. Affected: yes.
Comment: Has been reported in multiple unrelated individuals with ARVC, DCM, Brugada syndrome, HCM, and/or sudden death both in published literature and in individuals referred for testing at GeneDx; however, many of these individuals harbor additional variants in the PKP2 gene or other cardiac genes (PMID: 16567567, 17521752, 18662195, 20129281, 19955750, 20152563, 24070718, 26138720, 21859740, 24352520, 27930701, 32917565, 36178741); Published segregation studies show this variant has been observed in both affected and unaffected adult relatives (PMID:17521752, 20129281) and has failed to segregate with ARVC in at least one family (PMID: 19955750); Published functional studies demonstrate p.(Q62K) mutant protein disrupts proper desmosome assembly and leads to reduced sodium current (PMID: 19533476, 24352520); In silico analysis indicates that this missense variant does not alter protein structure/function; This variant is associated with the following publications: (PMID: 24618965, 29456632, 23299917, 24352520, 20152563, 24070718, 17521752, 21859740, 26138720, 18662195, 26718681, 21397041, 25637381, 23651034, 27930701, 20129281, 27650965, 30765282, 31737537, 31118017, 30847666, 30764827, 34426522, 30483629, 32880476, 32917565, 25395996, 36178741, 16567567, 19955750, 19533476, 32466575, 38540378)

Women's Health and Genetics/Laboratory Corporation of America, LabCorp
Classification: Uncertain significance. Last evaluated: 2024-02-27. Review status: criteria provided, single submitter. Criteria: LabCorp Variant Classification Summary - May 2015. Collection method: clinical testing. Allele origin: germline.
Comment: Variant summary: PKP2 c.184C>A (p.Gln62Lys) results in a conservative amino acid change in the encoded protein sequence. Three of five in-silico tools predict a benign effect of the variant on protein function. The variant allele was found at a frequency of 0.00014 in 212730 control chromosomes. This frequency is not significantly higher than estimated for a pathogenic variant in PKP2 causing Arrhythmogenic Right Ventricular Dysplasia/Cardiomyopathy (0.00014 vs 0.00065), allowing no conclusion about variant significance. c.184C>A has been reported in the literature in individuals affected with Arrhythmogenic Right Ventricular Dysplasia/Cardiomyopathy (e.g. Lahtinen_2008, Christensen_2009, Bauce_2010), Brugada Syndrome (Cerrone_2014), DCM (Garcia-Pavia_2011, van der Meulen_2022) and HCM (Sanchez_2016). These reports do not provide unequivocal conclusions about association of the variant with Arrhythmogenic Right Ventricular Dysplasia/Cardiomyopathy. However, this variant does not co-segregate with disease in at least one family (Christensen_2009). Co-occurrence with a pathogenic variant has been reported (PKP2 c.2119C>T, Q707X), providing supporting evidence for a benign role. At least one publication reports experimental evidence evaluating an impact on protein function and showed that this variant disrupted interactions with desmoplakin and decreased sodium current (Hall_2009, Cerrone_2014). The following publications have been ascertained in the context of this evaluation (PMID: 19955750, 20129281, 21397041, 21859740, 27930701, 24352520, 19533476, 36178741). ClinVar contains an entry for this variant (Variation ID: 161332). Based on the evidence outlined above, the variant was classified as uncertain significance.

Dept of Medical Biology, Uskudar University
Classification: Uncertain significance for Long QT syndrome. Last evaluated: 2024-01-08. Review status: criteria provided, single submitter. Criteria: Dept of Medical Biology Variant Classification. Collection method: research. Allele origin: unknown. Affected: yes. Observed: 1 variant allele.
Comment: Criteria: BP1

Mayo Clinic Laboratories, Mayo Clinic
Classification: Uncertain significance. Last evaluated: 2023-09-15. Review status: criteria provided, single submitter. Criteria: ACMG Guidelines, 2015. Collection method: clinical testing. Allele origin: germline. Observed: 1 variant allele.
Comment: PS3_supporting

NM_001005242.3(PKP2):c.184C>A (p.Gln62Lys)

Gene: PKP2 (plakophilin 2; minus strand). Cytogenetic location: 12p11.21.
Variant type: single nucleotide variant.
Coding change: c.184C>A on transcript NM_001005242.3 (MANE Select); coding-DNA position 184, C replaced by A.
Protein change: p.Gln62Lys; replaces glutamine 62 with lysine.
Molecular consequence: missense variant.
Genome position (GRCh38, 1-based): chr12:32,896,548, G>T on the plus strand (C>A on the coding strand, the complement: PKP2 is on the minus strand). VCF-style: chr12-32896548-G-T. GRCh37 (hg19) VCF-style: chr12-33049482-G-T.
Other names: p.Q62K:CAG>AAG; NM_001005242.2(PKP2):c.184C>A(p.Gln62Lys); NM_004572.3(PKP2):c.184C>A(p.Gln62Lys); c.184C>A, p.Gln62Lys (NM_004572.4); short protein forms Q62K.
Identifiers: ClinVar variation 161332 (VCV000161332.80), dbSNP rs199601548, ClinGen allele CA010651.